The following is an entry in ClinVar:

NM_018941.4(CLN8):c.287C>T (p.Ala96Val)

Gene: CLN8 (CLN8 transmembrane ER and ERGIC protein; plus strand). Cytogenetic location: 8p23.3.
Variant type: single nucleotide variant.
Coding change: c.287C>T on transcript NM_018941.4 (MANE Select); coding-DNA position 287, C replaced by T.
Protein change: p.Ala96Val; replaces alanine 96 with valine.
Molecular consequence: missense variant.
Genome position (GRCh38, 1-based): chr8:1,771,341, C>T. VCF-style: chr8-1771341-C-T. GRCh37 (hg19) VCF-style: chr8-1719507-C-T.
Other names: short protein forms A96V.
Identifiers: ClinVar variation 393260 (VCV000393260.8), dbSNP rs775400768, ClinGen allele CA4599241.

ClinVar aggregate classification (germline): Uncertain significance. Review status: criteria provided, multiple submitters, no conflicts (2 of 4 stars). 4 submissions from 4 submitters: Uncertain significance (3). 1 of the submissions does not count toward it. Last evaluated 2022-07-06.

Conditions:
Neuronal ceroid lipofuscinosis. Also called: Neuronal Ceroid Lipofuscinoses. Identifiers: Orphanet 216, Orphanet 79263, MedGen C0027877, MONDO:0016295. Disease mechanism: loss of function.
Neuronal ceroid lipofuscinosis 8 (CLN8). Also called: CLN8-Related Neuronal Ceroid-Lipofuscinosis. Identifiers: Orphanet 168491, Orphanet 228354, Orphanet 79264, MedGen C1838570, MONDO:0010830, OMIM 600143.

Allele frequency attached by ClinVar (database versions not stated): gnomAD exomes 0.00002 and 0.00004; ExAC 0.00005; gnomAD 0.00006; TOPMed 0.00006.
gnomAD v4.1: 44 of 1,614,080 alleles (0.0027%); highest among the groups gnomAD compares: African/African-American, 0.0067%; no homozygotes.

Submissions (4):

Labcorp Genetics (formerly Invitae), Labcorp
Classification: Uncertain significance for Neuronal ceroid lipofuscinosis. Last evaluated: 2022-07-06. Review status: criteria provided, single submitter. Criteria: Invitae Variant Classification Sherloc (09022015). Collection method: clinical testing. Allele origin: germline.
Comment: This sequence change replaces alanine, which is neutral and non-polar, with valine, which is neutral and non-polar, at codon 96 of the CLN8 protein (p.Ala96Val). This variant is present in population databases (rs775400768, gnomAD 0.02%). This variant has not been reported in the literature in individuals affected with CLN8-related conditions. ClinVar contains an entry for this variant (Variation ID: 393260). Advanced modeling of protein sequence and biophysical properties (such as structural, functional, and spatial information, amino acid conservation, physicochemical variation, residue mobility, and thermodynamic stability) performed at Invitae indicates that this missense variant is not expected to disrupt CLN8 protein function. Algorithms developed to predict the effect of sequence changes on RNA splicing suggest that this variant may create or strengthen a splice site. In summary, the available evidence is currently insufficient to determine the role of this variant in disease. Therefore, it has been classified as a Variant of Uncertain Significance.

GeneDx
Classification: Uncertain significance. Last evaluated: 2022-01-25. Review status: criteria provided, single submitter. Criteria: GeneDx Variant Classification Process June 2021. Collection method: clinical testing. Allele origin: germline. Affected: yes.
Comment: In silico analysis supports that this missense variant does not alter protein structure/function; Has not been previously published as pathogenic or benign to our knowledge

Blueprint Genetics
Classification: Uncertain significance. Last evaluated: 2022-01-12. Review status: criteria provided, single submitter. Criteria: ACMG Guidelines, 2015. Collection method: clinical testing. Allele origin: germline.

Natera, Inc.
Classification: Uncertain significance for Neuronal ceroid lipofuscinosis 8. Last evaluated: 2021-06-28. Review status: no assertion criteria provided. Collection method: clinical testing. Allele origin: germline. Not counted in ClinVar's aggregate classification.